The following is an entry in ClinVar:

ClinVar aggregate classification (germline): Likely pathogenic. Review status: criteria provided, multiple submitters, no conflicts (2 of 4 stars). 2 submissions from 2 submitters: Likely pathogenic (2). Last evaluated 2024-10-08.

Conditions:
Gaucher disease. Also called: Acute cerebral Gaucher disease; Cerebroside lipidosis syndrome; Gaucher splenomegaly; Sphingolipidosis 1; Glucocerebrosidosis; Glucosylceramidase deficiency. Identifiers: Orphanet 355, MedGen C0017205, MONDO:0018150.

Submissions (2):

Natera, Inc.
Classification: Likely pathogenic for Gaucher disease. Last evaluated: 2024-10-08. Review status: criteria provided, single submitter. Criteria: Natera Variant Classification Schema (03/2026). Collection method: clinical testing. Allele origin: germline.
Comment: The c.485T>A variant in GBA1 is a missense variant predicted to cause substitution of methionine to lysine at amino acid 162. This variant is rare in the general population with a frequency below the threshold expected for the associated phenotype(s). This variant has been observed in one or more individuals affected with the associated recessive disease, as either homozygous or compound heterozygous with a second variant (PMID: 22429443). A different variant at the same position has been determined to be Pathogenic or Likely Pathogenic. Computational prediction algorithms indicate this variant is likely to affect gene or protein function. Given the available evidence, this variant is classified as Likely Pathogenic.

CeGaT Center for Human Genetics Tuebingen
Classification: Likely pathogenic. Last evaluated: 2020-01-01. Review status: criteria provided, single submitter. Criteria: CeGaT Center For Human Genetics Tuebingen Variant Classification Criteria Version 2. Collection method: clinical testing. Allele origin: germline. Affected: yes. Observed: 1 variant allele.

Literature cited by the submitters: PubMed 22429443 (cited by Natera, Inc.).

NM_000157.4(GBA1):c.485T>A (p.Met162Lys)

Genes: GBA1 (glucosylceramidase beta 1; minus strand), LOC106627981 (GBA recombination region; plus strand). Cytogenetic location: 1q22.
Variant type: single nucleotide variant.
Coding change: c.485T>A on transcript NM_000157.4 (MANE Select); coding-DNA position 485, T replaced by A.
Protein change: p.Met162Lys; replaces methionine 162 with lysine.
Molecular consequence: missense variant.
Genome position (GRCh38, 1-based): chr1:155,238,620, A>T on the plus strand (T>A on the coding strand, the complement: GBA1 is on the minus strand). VCF-style: chr1-155238620-A-T. GRCh37 (hg19) VCF-style: chr1-155208411-A-T.
Other names: c.485T>A, p.Met162Lys (NM_001005741.3, NM_001005742.3); c.224T>A, p.Met75Lys (NM_001171811.2); c.338T>A, p.Met113Lys (NM_001171812.2); c.485T>A (NM_000157.3); short protein forms M113K, M162K, M75K.
Identifiers: ClinVar variation 871646 (VCV000871646.42), dbSNP rs794727783, ClinGen allele CA342724678.